The following is an entry in ClinVar:

NM_000443.4(ABCB4):c.1006-2A>G

Gene: ABCB4 (ATP binding cassette subfamily B member 4; minus strand). Cytogenetic location: 7q21.12.
Variant type: single nucleotide variant.
Coding change: c.1006-2A>G on transcript NM_000443.4 (MANE Select); the canonical splice acceptor site of the intron before coding-DNA position 1006, A replaced by G.
Molecular consequence: splice acceptor variant.
Genome position (GRCh38, 1-based): chr7:87,444,977, T>C on the plus strand (A>G on the coding strand, the complement: ABCB4 is on the minus strand). VCF-style: chr7-87444977-T-C. GRCh37 (hg19) VCF-style: chr7-87074293-T-C.
Other names: c.1006-2A>G (NM_018850.3, NM_018849.3).
Identifiers: ClinVar variation 4846330 (VCV004846330.1).

ClinVar aggregate classification (germline): Pathogenic (1 of 4 stars; one submission).

Conditions:
Familial intrahepatic cholestasis. Identifiers: Orphanet 284385, MedGen CN296401, MONDO:0017290.

gnomAD v4.1: 1 of 1,587,008 alleles (0.000063%); highest among the groups gnomAD compares: East Asian, 0.0022%; no homozygotes.

Submission:

Genomenon, Inc
Classification: Pathogenic for Familial intrahepatic cholestasis. Last evaluated: 2026-04-14. Review status: criteria provided, single submitter. Criteria: Genomenon Sequence Variant Interpretation Standards - Updated. Collection method: curation. Allele origin: germline. Affected: yes.
Comment: ABCB4 c.1006-2A>G is a canonical splice variant affecting the acceptor splice site of intron 9. It is predicted to affect mRNA splicing, leading to a deleterious effect on the ABCB4 protein. This variant has been observed in at least one proband with an ABCB4-related disorder (PMID:36550572). The variant was found to segregate with disease in at least one affected family (PMID:36550572). It is absent or not present at a significant frequency in gnomAD. In conclusion, we classify ABCB4 c.1006-2A>G as a pathogenic variant.

Literature cited by the submitters: PubMed 36550572.